The following is an entry in ClinVar:

ClinVar aggregate classification (germline): Benign (0 of 4 stars; one submission).

Conditions:
PHF3-related disorder. Also called: PHF3-related condition.

Allele frequency attached by ClinVar (database versions not stated): gnomAD exomes 0.00085; ExAC 0.00227; gnomAD 0.00781; TOPMed 0.00844; 1000 Genomes Project 0.00899; ESP Exome Variant Server 0.00907; 1000 Genomes Project 30x 0.00937.
gnomAD v4.1: 2,484 of 1,614,050 alleles (0.15%); highest among the groups gnomAD compares: African/African-American, 2.7%; 29 homozygotes.

Submission:

PreventionGenetics, part of Exact Sciences
Classification: Benign for PHF3-related condition. Last evaluated: 2021-06-15. Review status: no assertion criteria provided. Collection method: clinical testing. Allele origin: germline.
Comment: This variant is classified as benign based on ACMG/AMP sequence variant interpretation guidelines (Richards et al. 2015 PMID: 25741868, with internal and published modifications).

NM_001370348.2(PHF3):c.498A>G (p.Val166=)

Gene: PHF3 (PHD finger protein 3; plus strand). Cytogenetic location: 6q12.
Variant type: single nucleotide variant.
Coding change: c.498A>G on transcript NM_001370348.2 (MANE Select); coding-DNA position 498, A replaced by G.
Protein change: p.Val166=; no amino-acid change (valine 166 retained).
Molecular consequence: synonymous variant. On other transcripts: intron variant (1).
Genome position (GRCh38, 1-based): chr6:63,684,220, A>G. VCF-style: chr6-63684220-A-G. GRCh37 (hg19) VCF-style: chr6-64394121-A-G.
Other names: c.234A>G, p.Val78= (NM_001290259.2, NM_001370349.2); c.498A>G, p.Val166= (NM_001290260.2, NM_015153.4); c.-5+4059A>G (NM_001370350.2).
Identifiers: ClinVar variation 3042219 (VCV003042219.2), dbSNP rs35294942, ClinGen allele CA3875524.